The following is an entry in ClinVar:

NM_032043.3(BRIP1):c.1936-5T>G

Gene: BRIP1 (BRCA1 interacting DNA helicase 1; minus strand). Cytogenetic location: 17q23.2.
Variant type: single nucleotide variant.
Coding change: c.1936-5T>G on transcript NM_032043.3 (MANE Select); 5 bases into the intron before coding-DNA position 1936, T replaced by G.
Molecular consequence: intron variant.
Genome position (GRCh38, 1-based): chr17:61,776,567, A>C on the plus strand (T>G on the coding strand, the complement: BRIP1 is on the minus strand). VCF-style: chr17-61776567-A-C. GRCh37 (hg19) VCF-style: chr17-59853928-A-C.
Identifiers: ClinVar variation 1171941 (VCV001171941.4), dbSNP rs769767296, ClinGen allele CA8690620.

ClinVar aggregate classification (germline): Uncertain significance. Review status: criteria provided, multiple submitters, no conflicts (2 of 4 stars). 2 submissions from 2 submitters: Uncertain significance (2). Last evaluated 2020-11-19.

Conditions:
Hereditary cancer-predisposing syndrome. Also called: Tumor predisposition; Hereditary neoplastic syndrome; Hereditary Cancer Syndrome; Neoplastic Syndromes, Hereditary. Identifiers: Orphanet 140162, MedGen C0027672, MeSH D009386, MONDO:0015356.

Allele frequency attached by ClinVar (database versions not stated): gnomAD exomes 0.00001; ExAC 0.00002; TOPMed 0.00003; gnomAD 0.00004.
gnomAD v4.1: 9 of 1,613,514 alleles (0.00056%); highest among the groups gnomAD compares: African/African-American, 0.012%; no homozygotes.

Submissions (2):

Ambry Genetics
Classification: Uncertain significance for Hereditary cancer-predisposing syndrome. Last evaluated: 2020-11-19. Review status: criteria provided, single submitter. Criteria: Ambry Variant Classification Scheme 2023. Collection method: clinical testing. Allele origin: germline.
Comment: The c.1936-5T>G intronic variant results from a T to G substitution 5 nucleotides upstream from coding exon 13 in the BRIP1 gene. This nucleotide position is not well conserved in available vertebrate species. In silico splice site analysis predicts that this alteration will weaken the native splice acceptor site; however, direct evidence is insufficient at this time (Ambry internal data). Since supporting evidence is limited at this time, the clinical significance of this alteration remains unclear.

Color Diagnostics, LLC DBA Color Health
Classification: Uncertain significance for Hereditary cancer-predisposing syndrome. Last evaluated: 2020-10-30. Review status: criteria provided, single submitter. Criteria: ACMG Guidelines, 2015. Collection method: clinical testing. Allele origin: germline.
Comment: This variant causes a T to G nucleotide substitution at the -5 position of intron 13 of the BRIP1 gene. To our knowledge, functional studies have not been reported for this variant. This variant has not been reported in individuals affected with hereditary cancer in the literature. This variant has been identified in 4/282592 chromosomes in the general population by the Genome Aggregation Database (gnomAD). The available evidence is insufficient to determine the role of this variant in disease conclusively. Therefore, this variant is classified as a Variant of Uncertain Significance.